The following is an entry in ClinVar:

NM_021072.4(HCN1):c.1952C>G (p.Ser651Trp)

Gene: HCN1 (hyperpolarization activated cyclic nucleotide gated potassium channel 1; minus strand). Cytogenetic location: 5p12.
Variant type: single nucleotide variant.
Coding change: c.1952C>G on transcript NM_021072.4 (MANE Select); coding-DNA position 1952, C replaced by G.
Protein change: p.Ser651Trp; replaces serine 651 with tryptophan.
Molecular consequence: missense variant.
Genome position (GRCh38, 1-based): chr5:45,262,642, G>C on the plus strand (C>G on the coding strand, the complement: HCN1 is on the minus strand). VCF-style: chr5-45262642-G-C. GRCh37 (hg19) VCF-style: chr5-45262744-G-C.
Other names: short protein forms S651W.
Identifiers: ClinVar variation 404094 (VCV000404094.13), dbSNP rs771934361, ClinGen allele CA3259195.

ClinVar aggregate classification (germline): Likely benign. Review status: criteria provided, multiple submitters, no conflicts (2 of 4 stars). 2 submissions from 2 submitters: Likely benign (2). Last evaluated 2025-02-28.

Conditions:
HCN1-related disorder. Also called: HCN1-related condition; HCN1-related disorders.
Early-infantile DEE. Also called: Ohtahara syndrome; Early infantile epileptic encephalopathy with suppression bursts; Early infantile epileptic encephalopathy. Identifiers: Orphanet 1934, MedGen C0393706, MONDO:0800491.

Allele frequency attached by ClinVar (database versions not stated): TOPMed 0.00002.
gnomAD v4.1: 43 of 1,613,898 alleles (0.0027%); highest among the groups gnomAD compares: Non-Finnish European, 0.00034%; no homozygotes.

Submissions (2):

PreventionGenetics, part of Exact Sciences
Classification: Likely benign for HCN1-related condition. Last evaluated: 2025-02-28. Review status: criteria provided, single submitter. Criteria: ACMG Guidelines, 2015. Collection method: clinical testing. Allele origin: germline.
Comment: This variant is classified as likely benign based on ACMG/AMP sequence variant interpretation guidelines (Richards et al. 2015 PMID: 25741868, with internal and published modifications).

Labcorp Genetics (formerly Invitae), Labcorp
Classification: Likely benign for Early-infantile DEE. Last evaluated: 2024-12-16. Review status: criteria provided, single submitter. Criteria: Invitae Variant Classification Sherloc (09022015). Collection method: clinical testing. Allele origin: germline.